The following is an entry in ClinVar:

NM_004444.5(EPHB4):c.2215C>T (p.Arg739Ter)

Gene: EPHB4 (EPH receptor B4; minus strand). Cytogenetic location: 7q22.1.
Variant type: single nucleotide variant.
Coding change: c.2215C>T on transcript NM_004444.5 (MANE Select); coding-DNA position 2215, C replaced by T.
Protein change: p.Arg739Ter; replaces arginine 739 with a stop codon.
Molecular consequence: nonsense.
Genome position (GRCh38, 1-based): chr7:100,807,484, G>A on the plus strand (C>T on the coding strand, the complement: EPHB4 is on the minus strand). VCF-style: chr7-100807484-G-A. GRCh37 (hg19) VCF-style: chr7-100405106-G-A.
Other names: short protein forms R739*.
Identifiers: ClinVar variation 1704386 (VCV001704386.6), dbSNP rs773967187, ClinGen allele CA4392695.

ClinVar aggregate classification (germline): Pathogenic. Review status: criteria provided, multiple submitters, no conflicts (2 of 4 stars). 2 submissions from 2 submitters: Pathogenic (2). Last evaluated 2022-11-06.

Conditions:
Capillary malformation-arteriovenous malformation 2 (CMAVM2). Identifiers: Orphanet 693912, MedGen C4748670, MONDO:0020785, OMIM 618196.

Allele frequency attached by ClinVar (database versions not stated): gnomAD exomes below 0.00001; TOPMed 0.00001; gnomAD 0.00001; ExAC 0.00002.
gnomAD v4.1: 7 of 1,614,002 alleles (0.00043%); highest among the groups gnomAD compares: Admixed American, 0.0017%; no homozygotes.

Submissions (2):

Labcorp Genetics (formerly Invitae), Labcorp
Classification: Pathogenic. Last evaluated: 2022-11-06. Review status: criteria provided, single submitter. Criteria: Invitae Variant Classification Sherloc (09022015). Collection method: clinical testing. Allele origin: germline.
Comment: ClinVar contains an entry for this variant (Variation ID: 1704386). This sequence change creates a premature translational stop signal (p.Arg739*) in the EPHB4 gene. It is expected to result in an absent or disrupted protein product. Loss-of-function variants in EPHB4 are known to be pathogenic (PMID: 28687708). This variant is present in population databases (rs773967187, gnomAD 0.003%). This premature translational stop signal has been observed in individual(s) with capillary malformation-arteriovenous malformation (PMID: 28687708). For these reasons, this variant has been classified as Pathogenic.

Johns Hopkins Genomics, Johns Hopkins University
Classification: Pathogenic for Capillary malformation-arteriovenous malformation 2. Last evaluated: 2022-03-24. Review status: criteria provided, single submitter. Criteria: ACMG Guidelines, 2015. Collection method: clinical testing. Allele origin: germline.
Comment: This EPHB4 variant (rs773967187) is rare (<0.1%) in a large population dataset (gnomAD: 2/251404 total alleles; 0.0008%; no homozygotes) and has not been reported in ClinVar. It has been reported in the literature in two unrelated families with CMAVM23. This nonsense variant in exon 13 results in a premature stop codon likely leading to nonsense-mediated decay and lack of protein production. We consider this variant to be pathogenic.

Literature cited by the submitters: PubMed 28687708 (cited by Labcorp Genetics (formerly Invitae), Labcorp and Johns Hopkins Genomics, Johns Hopkins University); PubMed 28730721 (cited by Johns Hopkins Genomics, Johns Hopkins University); PubMed 29444212 (cited by Johns Hopkins Genomics, Johns Hopkins University); PubMed 30760892 (cited by Johns Hopkins Genomics, Johns Hopkins University).